The following is an entry in ClinVar:

ClinVar aggregate classification (germline): Benign. Review status: criteria provided, multiple submitters, no conflicts (2 of 4 stars). 2 submissions from 2 submitters: Benign (2). Last evaluated 2018-07-06.

Allele frequency attached by ClinVar (database versions not stated): TOPMed 0.19550; gnomAD 0.19597 and 0.20360; gnomAD exomes 0.20635 and 0.23098; 1000 Genomes Project 30x 0.25968; 1000 Genomes Project 0.26837; ExAC 0.32120.
gnomAD v4.1: 269,575 of 1,306,870 alleles (21%); highest among the groups gnomAD compares: East Asian, 48%; 29,890 homozygotes.

Submissions (2):

GeneDx
Classification: Benign. Last evaluated: 2018-07-06. Review status: criteria provided, single submitter. Criteria: GeneDx Variant Classification Process June 2021. Collection method: clinical testing. Allele origin: germline. Affected: yes.
Comment: This variant is associated with the following publications: (PMID: 27379672)

Breakthrough Genomics
Classification: Benign. Review status: criteria provided, single submitter. Criteria: ACMG Guidelines, 2015. Collection method: not provided. Allele origin: germline. Inheritance: Unknown mechanism. Affected: yes.

NM_013372.7(GREM1):c.-2+50G>A

Genes: GREM1 (gremlin 1, DAN family BMP antagonist; plus strand), GREM1-AS1 (GREM1 antisense RNA 1; minus strand). Cytogenetic location: 15q13.3.
Variant type: single nucleotide variant.
Coding change: c.-2+50G>A on transcript NM_013372.7 (MANE Select); 50 bases into the intron after 2 bases upstream of the start codon, G replaced by A.
Molecular consequence: intron variant. On other transcripts: non-coding transcript variant (1).
Genome position (GRCh38, 1-based): chr15:32,718,211, G>A. VCF-style: chr15-32718211-G-A. GRCh37 (hg19) VCF-style: chr15-33010412-G-A.
Other names: c.-2+50G>A (NM_001191323.2, NM_001191322.2).
Identifiers: ClinVar variation 1297801 (VCV001297801.3), dbSNP rs2293582, ClinGen allele CA7456063.